The following is an entry in ClinVar:

ClinVar aggregate classification (germline): Uncertain significance. Review status: criteria provided, multiple submitters, no conflicts (2 of 4 stars). 4 submissions from 4 submitters: Uncertain significance (4). Last evaluated 2025-08-10.

Conditions:
Char syndrome (CHAR). Also called: PATENT DUCTUS ARTERIOSUS WITH FACIAL DYSMORPHISM AND ABNORMAL FIFTH DIGITS. Identifiers: Orphanet 46627, MedGen C1868570, MONDO:0008209, OMIM 169100.
Inborn genetic diseases. Identifiers: MedGen C0950123, MeSH D030342.

Allele frequency attached by ClinVar (database versions not stated): gnomAD exomes 0.00002 and 0.00010; TOPMed 0.00003; gnomAD 0.00004.
gnomAD v4.1: 149 of 1,594,868 alleles (0.0093%); highest among the groups gnomAD compares: Non-Finnish European, 0.012%; no homozygotes.

Submissions (4):

Ambry Genetics
Classification: Uncertain significance for Inborn genetic diseases. Last evaluated: 2025-08-10. Review status: criteria provided, single submitter. Criteria: Ambry Variant Classification Scheme 2023. Collection method: clinical testing. Allele origin: germline.

Clinical Genomics Laboratory, Washington University in St. Louis
Classification: Uncertain significance for Char syndrome. Last evaluated: 2025-07-03. Review status: criteria provided, single submitter. Criteria: ACMG Guidelines, 2015. Collection method: clinical testing. Allele origin: germline.
Comment: The TFAP2B c.92A>G (p.Asp31Gly) variant, to our knowledge, has not been reported in the medical literature but has been reported in the ClinVar database as a germline variant of uncertain significance by one submitter. The highest population minor allele frequency in the population database genome aggregation database (v.4.1.0) is 0.01% in the European population which is predicted to be higher than the incidence of Char syndrome. Computational predictors indicate that the variant is damaging, evidence that correlates with impact to TFAP2B function. Due to limited information, and based on ACMG/AMP guidelines for variant interpretation (Richards S et al., PMID: 25741868), the clinical significance of this variant is uncertain at this time.

Labcorp Genetics (formerly Invitae), Labcorp
Classification: Uncertain significance. Last evaluated: 2025-05-15. Review status: criteria provided, single submitter. Criteria: Invitae Variant Classification Sherloc (09022015). Collection method: clinical testing. Allele origin: germline.
Comment: This sequence change replaces aspartic acid, which is acidic and polar, with glycine, which is neutral and non-polar, at codon 31 of the TFAP2B protein (p.Asp31Gly). This variant is present in population databases (rs752548154, gnomAD 0.005%). This variant has not been reported in the literature in individuals affected with TFAP2B-related conditions. ClinVar contains an entry for this variant (Variation ID: 1360116). Invitae Evidence Modeling of protein sequence and biophysical properties (such as structural, functional, and spatial information, amino acid conservation, physicochemical variation, residue mobility, and thermodynamic stability) indicates that this missense variant is not expected to disrupt TFAP2B protein function with a negative predictive value of 80%. In summary, the available evidence is currently insufficient to determine the role of this variant in disease. Therefore, it has been classified as a Variant of Uncertain Significance.

Blueprint Genetics
Classification: Uncertain significance. Last evaluated: 2024-08-29. Review status: criteria provided, single submitter. Criteria: ACMG Guidelines, 2015. Collection method: clinical testing. Allele origin: germline.

NM_003221.4(TFAP2B):c.92A>G (p.Asp31Gly)

Gene: TFAP2B (transcription factor AP-2 beta; plus strand). Cytogenetic location: 6p12.3.
Variant type: single nucleotide variant.
Coding change: c.92A>G on transcript NM_003221.4 (MANE Select); coding-DNA position 92, A replaced by G.
Protein change: p.Asp31Gly; replaces aspartic acid 31 with glycine.
Molecular consequence: missense variant.
Genome position (GRCh38, 1-based): chr6:50,823,417, A>G. VCF-style: chr6-50823417-A-G. GRCh37 (hg19) VCF-style: chr6-50791130-A-G.
Other names: c.92A>G (NM_003221.3); short protein forms D31G.
Identifiers: ClinVar variation 1360116 (VCV001360116.9), dbSNP rs752548154, ClinGen allele CA3850280.